The following is an entry in ClinVar:

ClinVar aggregate classification (germline): Uncertain significance (1 of 4 stars; one submission).

Conditions:
Arrhythmogenic cardiomyopathy with wooly hair and keratoderma. Also called: Arrhythmogenic cardiomyopathy with woolly hair and keratoderma; PALMOPLANTAR KERATODERMA WITH LEFT VENTRICULAR CARDIOMYOPATHY AND WOOLLY HAIR; Carvajal syndrome; Dilated cardiomyopathy with woolly hair and keratoderma. Identifiers: Orphanet 65282, MedGen C1854063, MONDO:0011581, OMIM 605676.
Arrhythmogenic right ventricular dysplasia 8 (ARVD8). Also called: Arrhythmogenic Right Ventricular Dysplasia/Cardiomyopathy 8; ARRHYTHMOGENIC RIGHT VENTRICULAR DYSPLASIA, FAMILIAL, 8; ARRHYTHMOGENIC RIGHT VENTRICULAR CARDIOMYOPATHY 8. Identifiers: MedGen C1843896, MONDO:0011831, OMIM 607450.

Submission:

Labcorp Genetics (formerly Invitae), Labcorp
Classification: Uncertain significance for Arrhythmogenic cardiomyopathy with wooly hair and keratoderma; Arrhythmogenic right ventricular dysplasia 8. Last evaluated: 2023-08-30. Review status: criteria provided, single submitter. Criteria: Invitae Variant Classification Sherloc (09022015). Collection method: clinical testing. Allele origin: germline.
Comment: This variant has not been reported in the literature in individuals affected with DSP-related conditions. In summary, the available evidence is currently insufficient to determine the role of this variant in disease. Therefore, it has been classified as a Variant of Uncertain Significance. An algorithm developed to predict the effect of missense changes on protein structure and function (PolyPhen-2) suggests that this variant is likely to be tolerated. This variant is not present in population databases (gnomAD no frequency). This sequence change replaces serine, which is neutral and polar, with asparagine, which is neutral and polar, at codon 1629 of the DSP protein (p.Ser1629Asn).

NM_004415.4(DSP):c.4886G>A (p.Ser1629Asn)

Gene: DSP (desmoplakin; plus strand). Cytogenetic location: 6p24.3.
Variant type: single nucleotide variant.
Coding change: c.4886G>A on transcript NM_004415.4 (MANE Select); coding-DNA position 4886, G replaced by A.
Protein change: p.Ser1629Asn; replaces serine 1629 with asparagine.
Molecular consequence: missense variant. On other transcripts: intron variant (2).
Genome position (GRCh38, 1-based): chr6:7,581,076, G>A. VCF-style: chr6-7581076-G-A. GRCh37 (hg19) VCF-style: chr6-7581309-G-A.
Other names: c.4050+836G>A (NM_001319034.2); c.3582+1304G>A (NM_001008844.3); short protein forms S1629N.
Identifiers: ClinVar variation 2934049 (VCV002934049.3), dbSNP rs200243976, ClinGen allele CA362687372.